The following is an entry in ClinVar:

NM_001100.4(ACTA1):c.169G>C (p.Gly57Arg)

Gene: ACTA1 (actin alpha 1, skeletal muscle; minus strand). Cytogenetic location: 1q42.13.
Variant type: single nucleotide variant.
Coding change: c.169G>C on transcript NM_001100.4 (MANE Select); coding-DNA position 169, G replaced by C.
Protein change: p.Gly57Arg; replaces glycine 57 with arginine.
Molecular consequence: missense variant.
Genome position (GRCh38, 1-based): chr1:229,432,841, C>G on the plus strand (G>C on the coding strand, the complement: ACTA1 is on the minus strand). VCF-style: chr1-229432841-C-G. GRCh37 (hg19) VCF-style: chr1-229568588-C-G.
Other names: short protein forms G57R.
Identifiers: ClinVar variation 1457959 (VCV001457959.6), dbSNP rs2102736416, ClinGen allele CA345150890.

ClinVar aggregate classification (germline): Pathogenic (1 of 4 stars; one submission).

Conditions:
Actin accumulation myopathy (CMYO2A). Also called: CONGENITAL MYOPATHY 2A, TYPICAL, AUTOSOMAL DOMINANT; Nemaline myopathy type 3; Myopathy, actin, congenital, with excess of thin myofilaments; Myopathy, actin, congenital, with cores; Nemaline myopathy 3, with intranuclear rods. Identifiers: Orphanet 98904, MedGen C3711389, MONDO:0008070, OMIM 161800.

Submission:

Labcorp Genetics (formerly Invitae), Labcorp
Classification: Pathogenic for Actin accumulation myopathy. Last evaluated: 2021-11-08. Review status: criteria provided, single submitter. Criteria: Invitae Variant Classification Sherloc (09022015). Collection method: clinical testing. Allele origin: germline.
Comment: This sequence change replaces glycine, which is neutral and non-polar, with arginine, which is basic and polar, at codon 57 of the ACTA1 protein (p.Gly57Arg). This variant is not present in population databases (gnomAD no frequency). For these reasons, this variant has been classified as Pathogenic. Advanced modeling of protein sequence and biophysical properties (such as structural, functional, and spatial information, amino acid conservation, physicochemical variation, residue mobility, and thermodynamic stability) performed at Invitae indicates that this missense variant is expected to disrupt ACTA1 protein function. This missense change has been observed in individual(s) with nemaline myopathy (PMID: 19562689). In at least one individual the variant was observed to be de novo.

Literature cited by the submitters: PubMed 19562689.